The following is an entry in ClinVar:

ClinVar aggregate classification (germline): Conflicting classifications of pathogenicity. Review status: criteria provided, conflicting classifications (1 of 4 stars). 5 submissions from 5 submitters: Uncertain significance (2); Likely benign (3). Last evaluated 2026-05-21.

Conditions:
ATL1-related disorder. Also called: ATL1-related condition.
Inborn genetic diseases. Identifiers: MedGen C0950123, MeSH D030342.
Hereditary spastic paraplegia 3A (SPG3A). Also called: Spastic Paraplegia 3A; SPASTIC PARAPLEGIA 3, AUTOSOMAL DOMINANT; FAMILIAL SPASTIC PARAPLEGIA, AUTOSOMAL DOMINANT, 1; SPG3; STRUMPELL DISEASE; Spastic paraplegia 3A, autosomal dominant. Identifiers: Orphanet 100984, MedGen C2931355, MONDO:0008437, OMIM 182600.

Allele frequency attached by ClinVar (database versions not stated): ExAC 0.00006; gnomAD exomes 0.00006 and 0.00011; ESP Exome Variant Server 0.00015; TOPMed 0.00023.
gnomAD v4.1: 191 of 1,612,956 alleles (0.012%); highest among the groups gnomAD compares: Middle Eastern, 0.049%; no homozygotes.

Submissions (5):

PreventionGenetics, part of Exact Sciences
Classification: Uncertain significance for ATL1-related condition. Last evaluated: 2026-05-21. Review status: criteria provided, single submitter. Criteria: ACMG Guidelines, 2015. Collection method: clinical testing. Allele origin: germline.
Comment: The ATL1 c.990+4T>A variant is predicted to interfere with splicing. This variant is not predicted to interfere with splicing based on available splicing prediction programs (SpliceAI, Jaganathan et al. 2019. PubMed ID: 30661751); however, the c.990+4 position is part of the minimal donor splice region which is clinically relevant (Lord et al. 2019. PubMed ID: 30587507; Walker et al. 2023. PubMed ID: 37352859). To our knowledge, this variant has not been reported in the literature. This variant is reported in 0.024% of alleles in individuals of African descent in gnomAD. Although we suspect that this variant may be benign, at this time, the clinical significance of this variant is uncertain due to the absence of conclusive functional and genetic evidence.

Labcorp Genetics (formerly Invitae), Labcorp
Classification: Uncertain significance for Hereditary spastic paraplegia 3A. Last evaluated: 2025-12-02. Review status: criteria provided, single submitter. Criteria: Invitae Variant Classification Sherloc (09022015). Collection method: clinical testing. Allele origin: germline.
Comment: This sequence change falls in intron 9 of the ATL1 gene. It does not directly change the encoded amino acid sequence of the ATL1 protein. It affects a nucleotide within the consensus splice site. This variant is present in population databases (rs372029461, gnomAD 0.02%). This variant has not been reported in the literature in individuals affected with ATL1-related conditions. ClinVar contains an entry for this variant (Variation ID: 410597). Variants that disrupt the consensus splice site are a relatively common cause of aberrant splicing (PMID: 17576681, 9536098). Algorithms developed to predict the effect of sequence changes on RNA splicing suggest that this variant is not likely to affect RNA splicing. In summary, the available evidence is currently insufficient to determine the role of this variant in disease. Therefore, it has been classified as a Variant of Uncertain Significance.

Blueprint Genetics
Classification: Likely benign. Last evaluated: 2024-10-25. Review status: criteria provided, single submitter. Criteria: ACMG Guidelines, 2015. Collection method: clinical testing. Allele origin: germline.

Ambry Genetics
Classification: Likely benign for Inborn genetic diseases. Last evaluated: 2019-11-12. Review status: criteria provided, single submitter. Criteria: Ambry Variant Classification Scheme 2023. Collection method: clinical testing. Allele origin: germline.

Athena Diagnostics
Classification: Likely benign. Last evaluated: 2016-11-08. Review status: criteria provided, single submitter. Criteria: Athena Diagnostics Criteria. Collection method: clinical testing. Allele origin: germline.

Literature cited by the submitters: PubMed 17576681 (cited by Labcorp Genetics (formerly Invitae), Labcorp); PubMed 9536098 (cited by Labcorp Genetics (formerly Invitae), Labcorp).

NM_015915.5(ATL1):c.990+4T>A

Gene: ATL1 (atlastin GTPase 1; plus strand). Cytogenetic location: 14q22.1.
Variant type: single nucleotide variant.
Coding change: c.990+4T>A on transcript NM_015915.5 (MANE Select); 4 bases into the intron after coding-DNA position 990, T replaced by A.
Molecular consequence: intron variant.
Genome position (GRCh38, 1-based): chr14:50,620,730, T>A. VCF-style: chr14-50620730-T-A. GRCh37 (hg19) VCF-style: chr14-51087448-T-A.
Other names: c.990+4T>A (NM_001127713.1, NM_181598.4).
Identifiers: ClinVar variation 410597 (VCV000410597.12), dbSNP rs372029461, ClinGen allele CA7180374.